The following is an entry in ClinVar:

NM_001042492.3(NF1):c.2900_2959del (p.Ile967_Ala986del)

Gene: NF1 (neurofibromin 1; plus strand). Cytogenetic location: 17q11.2.
Variant type: Deletion.
Coding change: c.2900_2959del on transcript NM_001042492.3 (MANE Select); coding-DNA positions 2900 to 2959, 60 bases deleted.
Protein change: p.Ile967_Ala986del.
Molecular consequence: inframe deletion.
Genome position (GRCh38, 1-based): chr17:31,229,884-31,229,943, 60 bases deleted. GRCh37 (hg19): chr17:29,556,902-29,556,961.
Other names: c.2900_2959del, p.Ile967_Ala986del (NM_000267.4).
Identifiers: ClinVar variation 4721773 (VCV004721773.1).

ClinVar aggregate classification (germline): Pathogenic (1 of 4 stars; one submission).

Conditions:
Neurofibromatosis, type 1 (NF1). Also called: NEUROFIBROMATOSIS, TYPE I, SOMATIC; VON RECKLINGHAUSEN DISEASE; Peripheral type neurofibromatosis; Neurofibromatosis, type I. Identifiers: Orphanet 636, MedGen C0027831, MONDO:0018975, OMIM 162200. Disease mechanism: loss of function.

Submission:

Labcorp Genetics (formerly Invitae), Labcorp
Classification: Pathogenic for Neurofibromatosis, type 1. Last evaluated: 2025-06-20. Review status: criteria provided, single submitter. Criteria: Invitae Variant Classification Sherloc (09022015). Collection method: clinical testing. Allele origin: germline.
Comment: This variant, c.2900_2959del, results in the deletion of 20 amino acid(s) of the NF1 protein (p.Ile967_Ala986del), but otherwise preserves the integrity of the reading frame. This variant is not present in population databases (gnomAD no frequency). This variant has not been reported in the literature in individuals affected with NF1-related conditions. This variant disrupts a region of the NF1 protein in which other variant(s) (p.Leu972Pro) have been determined to be pathogenic (PMID: 31766501). This suggests that this is a clinically significant region of the protein, and that variants that disrupt it are likely to be disease-causing. For these reasons, this variant has been classified as Pathogenic.

Literature cited by the submitters: PubMed 31766501.